The following is an entry in ClinVar:

NM_020919.4(ALS2):c.1283C>A (p.Thr428Asn)

Gene: ALS2 (alsin Rho guanine nucleotide exchange factor ALS2; minus strand). Cytogenetic location: 2q33.1.
Variant type: single nucleotide variant.
Coding change: c.1283C>A on transcript NM_020919.4 (MANE Select); coding-DNA position 1283, C replaced by A.
Protein change: p.Thr428Asn; replaces threonine 428 with asparagine.
Molecular consequence: missense variant.
Genome position (GRCh38, 1-based): chr2:201,757,590, G>T on the plus strand (C>A on the coding strand, the complement: ALS2 is on the minus strand). VCF-style: chr2-201757590-G-T. GRCh37 (hg19) VCF-style: chr2-202622313-G-T.
Other names: short protein forms T428N.
Identifiers: ClinVar variation 333598 (VCV000333598.32), dbSNP rs886055454, ClinGen allele CA10612454.

ClinVar aggregate classification (germline): Uncertain significance. Review status: criteria provided, multiple submitters, no conflicts (2 of 4 stars). 3 submissions from 2 submitters: Uncertain significance (3). Last evaluated 2024-09-01.

Conditions:
ALS2-related disorder. Also called: ALS2-related disorders; ALS2-Related Spectrum Disorders; ALS2-related condition. Identifiers: MedGen CN169291.
Amyotrophic lateral sclerosis type 2, juvenile. Also called: ALS, JUVENILE; Amyotrophic lateral sclerosis type 2. Identifiers: Orphanet 300605, MedGen C1859807, MONDO:0008780, OMIM 205100.

Allele frequency attached by ClinVar (database versions not stated): gnomAD exomes 0.00002 and 0.00006; TOPMed 0.00002.
gnomAD v4.1: 94 of 1,614,112 alleles (0.0058%); highest among the groups gnomAD compares: Non-Finnish European, 0.0076%; no homozygotes.

Submissions (3):

CeGaT Center for Human Genetics Tuebingen
Classification: Uncertain significance. Last evaluated: 2024-09-01. Review status: criteria provided, single submitter. Criteria: CeGaT Center For Human Genetics Tuebingen Variant Classification Criteria Version 2. Collection method: clinical testing. Allele origin: germline. Affected: yes. Observed: 2 variant alleles.
Comment: ALS2: PM2, BP4

Illumina Laboratory Services, Illumina
Classification: Uncertain significance for ALS2-Related Disorders. Last evaluated: 2018-01-12. Review status: criteria provided, single submitter. Criteria: ICSL Variant Classification Criteria 13 December 2019. Collection method: clinical testing. Allele origin: germline.

Illumina Laboratory Services, Illumina
Classification: Uncertain significance for Amyotrophic lateral sclerosis type 2. Last evaluated: 2018-01-12. Review status: criteria provided, single submitter. Criteria: ICSL Variant Classification Criteria 13 December 2019. Collection method: clinical testing. Allele origin: germline.